The following is an entry in ClinVar:

NM_016553.5(NUP62):c.1544G>A (p.Arg515His)

Genes: IL4I1 (interleukin 4 induced 1; minus strand), NUP62 (nucleoporin 62; minus strand). Cytogenetic location: 19q13.33.
Variant type: single nucleotide variant.
Coding change: c.1544G>A on transcript NM_016553.5 (MANE Select); coding-DNA position 1544, G replaced by A.
Protein change: p.Arg515His; replaces arginine 515 with histidine.
Molecular consequence: missense variant. On other transcripts: intron variant (3).
Genome position (GRCh38, 1-based): chr19:49,908,264, C>T on the plus strand (G>A on the coding strand, the complement: NUP62 is on the minus strand). VCF-style: chr19-49908264-C-T. GRCh37 (hg19) VCF-style: chr19-50411521-C-T.
Other names: c.1544G>A, p.Arg515His (NM_001193357.2, NM_012346.5, NM_153718.4 and 1 more transcripts); c.-227-3943G>A (NM_001258017.2, NM_172374.3); c.-285-3943G>A (NM_001258018.2); short protein forms R515H.
Identifiers: ClinVar variation 2906312 (VCV002906312.3), dbSNP rs751090448, ClinGen allele CA9588861.
Genomic context (GRCh38, chr19:49,908,264, plus strand): 5'-CCCTAGGGACCTGCGGGCCCCAGGGCTGCTGTCGCTCAGTCAAAGGTGATCCGGAAGCTG[C>T]GCTCCTGCTCCTTGCGCCGGCCCTCGCACACCTTGGTCACCTCCTCCACCTTCCTCTGCA-3'
Protein context (NP_057637.2, residues 505-522): VCEGRRKEQE[Arg515His]SFRITFD

ClinVar aggregate classification (germline): Uncertain significance (1 of 4 stars; one submission).

Allele frequency attached by ClinVar (database versions not stated): gnomAD exomes below 0.00001; TOPMed below 0.00001; ExAC 0.00001.
gnomAD v4.1: 5 of 1,613,632 alleles (0.00031%); highest among the groups gnomAD compares: Admixed American, 0.0017%; no homozygotes.

Submission:

Labcorp Genetics (formerly Invitae), Labcorp
Classification: Uncertain significance. Last evaluated: 2023-10-06. Review status: criteria provided, single submitter. Criteria: Invitae Variant Classification Sherloc (09022015). Collection method: clinical testing. Allele origin: germline.
Comment: This sequence change replaces arginine, which is basic and polar, with histidine, which is basic and polar, at codon 515 of the NUP62 protein (p.Arg515His). This variant is present in population databases (rs751090448, gnomAD 0.003%). This variant has not been reported in the literature in individuals affected with NUP62-related conditions. An algorithm developed to predict the effect of missense changes on protein structure and function (PolyPhen-2) suggests that this variant is likely to be tolerated. In summary, the available evidence is currently insufficient to determine the role of this variant in disease. Therefore, it has been classified as a Variant of Uncertain Significance.